The following is an entry in ClinVar:

ClinVar aggregate classification (germline): Uncertain significance (1 of 4 stars; one submission).

Conditions:
Long QT syndrome (LQTS). Identifiers: MedGen C0023976, MeSH D008133, MONDO:0002442. Disease mechanism: loss of function. Inheritance: Various modes of inheritance.

gnomAD v4.1: 9 of 1,572,510 alleles (0.00057%); no homozygotes.

Submission:

All of Us Research Program, National Institutes of Health
Classification: Uncertain significance for Long QT syndrome. Last evaluated: 2024-03-28. Review status: criteria provided, single submitter. Criteria: ACMG Guidelines, 2015. Collection method: clinical testing. Allele origin: germline. Inheritance: Autosomal dominant inheritance. Observed: 1 variant allele, 1 heterozygote.
Comment: This study involves interpretation of variants in research participants for the purpose of population health screening. Participant phenotype was not available at the time of variant classification. Additional details can be found in publication PMID: 35346344, PMCID: PMC8962531

NM_000218.3(KCNQ1):c.1654C>T (p.Leu552Phe)

Gene: KCNQ1 (potassium voltage-gated channel subfamily Q member 1; plus strand). Cytogenetic location: 11p15.5.
Variant type: single nucleotide variant.
Coding change: c.1654C>T on transcript NM_000218.3 (MANE Select); coding-DNA position 1654, C replaced by T.
Protein change: p.Leu552Phe; replaces leucine 552 with phenylalanine.
Molecular consequence: missense variant.
Genome position (GRCh38, 1-based): chr11:2,776,023, C>T. VCF-style: chr11-2776023-C-T. GRCh37 (hg19) VCF-style: chr11-2797253-C-T.
Other names: c.1558C>T, p.Leu520Phe (NM_001406836.1); c.1384C>T, p.Leu462Phe (NM_001406837.1); c.1114C>T, p.Leu372Phe (NM_001406838.1); c.1273C>T, p.Leu425Phe (NM_181798.2); short protein forms L372F, L425F, L462F, L520F, L552F.
Identifiers: ClinVar variation 3386945 (VCV003386945.1).